The following is an entry in ClinVar:

NM_001844.5(COL2A1):c.714del (p.Met239fs)

Gene: COL2A1 (collagen type II alpha 1 chain; minus strand). Cytogenetic location: 12q13.11.
Variant type: Deletion.
Coding change: c.714del on transcript NM_001844.5 (MANE Select); coding-DNA position 714, one base deleted (C; older notation c.714delC).
Protein change: p.Met239fs; shifts the reading frame from methionine 239.
Molecular consequence: frameshift variant.
Genome position (GRCh38, 1-based): chr12:47,995,303, G deleted on the plus strand (C on the coding strand, the reverse complement: COL2A1 is on the minus strand); the first of 3 consecutive G bases (chr12:47,995,303-47,995,305); deleting any one gives the same sequence. VCF-style (leftmost placement, unchanged base first): chr12-47995302-TG-T. GRCh37 (hg19) VCF-style: chr12-48389085-TG-T.
Other names: c.507del, p.Met170fs (NM_033150.3); short protein forms M170fs, M239fs.
Identifiers: ClinVar variation 4727367 (VCV004727367.1).
Genomic context (GRCh38, chr12:47,995,302, plus strand): 5'-CGTGTATACTCACATCATCACCAGGCTTTCCAGGGGGACCAGGAGGACCACGGGGACCCA[TG>T]GGACCCTACAAACAAAGGAAGATAGTTTAAGAGATGGTTATAGTGGGAAGACACCTAAGC-3'

ClinVar aggregate classification (germline): Pathogenic (1 of 4 stars; one submission).

Submission:

Labcorp Genetics (formerly Invitae), Labcorp
Classification: Pathogenic. Last evaluated: 2025-09-16. Review status: criteria provided, single submitter. Criteria: Invitae Variant Classification Sherloc (09022015). Collection method: clinical testing. Allele origin: germline.
Comment: This sequence change creates a premature translational stop signal (p.Met239Trpfs*69) in the COL2A1 gene. It is expected to result in an absent or disrupted protein product. Loss-of-function variants in COL2A1 are known to be pathogenic (PMID: 20179744). This variant is not present in population databases (gnomAD no frequency). This variant has not been reported in the literature in individuals affected with COL2A1-related conditions. For these reasons, this variant has been classified as Pathogenic.

Literature cited by the submitters: PubMed 20179744.